The following is an entry in ClinVar:

ClinVar aggregate classification (germline): Uncertain significance (1 of 4 stars; one submission).

Allele frequency attached by ClinVar (database versions not stated): TOPMed below 0.00001; ExAC 0.00001; gnomAD 0.00001; gnomAD exomes 0.00004.

Submission:

Labcorp Genetics (formerly Invitae), Labcorp
Classification: Uncertain significance. Last evaluated: 2024-07-15. Review status: criteria provided, single submitter. Criteria: Invitae Variant Classification Sherloc (09022015). Collection method: clinical testing. Allele origin: germline.
Comment: This sequence change replaces glutamic acid, which is acidic and polar, with alanine, which is neutral and non-polar, at codon 530 of the CCDC8 protein (p.Glu530Ala). This variant is present in population databases (rs770950034, gnomAD 0.01%). This variant has not been reported in the literature in individuals affected with CCDC8-related conditions. ClinVar contains an entry for this variant (Variation ID: 2038334). Experimental studies and prediction algorithms are not available or were not evaluated, and the functional significance of this variant is currently unknown. In summary, the available evidence is currently insufficient to determine the role of this variant in disease. Therefore, it has been classified as a Variant of Uncertain Significance.

NM_032040.5(CCDC8):c.1589A>C (p.Glu530Ala)

Gene: CCDC8 (coiled-coil domain containing 8 subunit of 3M complex; minus strand). Cytogenetic location: 19q13.32.
Variant type: single nucleotide variant.
Coding change: c.1589A>C on transcript NM_032040.5 (MANE Select); coding-DNA position 1589, A replaced by C.
Protein change: p.Glu530Ala; replaces glutamic acid 530 with alanine.
Molecular consequence: missense variant.
Genome position (GRCh38, 1-based): chr19:46,411,222, T>G on the plus strand (A>C on the coding strand, the complement: CCDC8 is on the minus strand). VCF-style: chr19-46411222-T-G. GRCh37 (hg19) VCF-style: chr19-46914479-T-G.
Other names: short protein forms E530A.
Identifiers: ClinVar variation 2038334 (VCV002038334.4), dbSNP rs770950034, ClinGen allele CA9528439.